The following is an entry in ClinVar:

NM_001258392.3(CLPB):c.1717C>A (p.Arg573Ser)

Gene: CLPB (ClpB family mitochondrial disaggregase; minus strand). Cytogenetic location: 11q13.4.
Variant type: single nucleotide variant.
Coding change: c.1717C>A on transcript NM_001258392.3 (MANE Select); coding-DNA position 1717, C replaced by A.
Protein change: p.Arg573Ser; replaces arginine 573 with serine.
Molecular consequence: missense variant.
Genome position (GRCh38, 1-based): chr11:72,294,090, G>T on the plus strand (C>A on the coding strand, the complement: CLPB is on the minus strand). VCF-style: chr11-72294090-G-T. GRCh37 (hg19) VCF-style: chr11-72005134-G-T.
Other names: c.1630C>A, p.Arg544Ser (NM_001258393.3); c.1672C>A, p.Arg558Ser (NM_001258394.3); c.1807C>A, p.Arg603Ser (NM_030813.6); short protein forms R558S, R603S, R544S, R573S.
Identifiers: ClinVar variation 4750700 (VCV004750700.1).

ClinVar aggregate classification (germline): Uncertain significance (1 of 4 stars; one submission).

Conditions:
3-methylglutaconic aciduria, type VIIB (MGCA7B). Also called: CLPB Deficiency; 3-methylglutaconic aciduria with cataracts, neurologic involvement and neutropenia; 3-methylglutaconic aciduria, type VII, with cataracts, neurologic involvement and neutropenia. Identifiers: Orphanet 445038, MedGen C5676893, MONDO:0014561, OMIM 616271.

gnomAD v4.1: 11 of 1,614,150 alleles (0.00068%); highest among the groups gnomAD compares: Non-Finnish European, 0.00085%; no homozygotes.

Submission:

Labcorp Genetics (formerly Invitae), Labcorp
Classification: Uncertain significance for 3-methylglutaconic aciduria, type VIIB. Last evaluated: 2025-05-04. Review status: criteria provided, single submitter. Criteria: Invitae Variant Classification Sherloc (09022015). Collection method: clinical testing. Allele origin: germline.
Comment: This sequence change replaces arginine, which is basic and polar, with serine, which is neutral and polar, at codon 603 of the CLPB protein (p.Arg603Ser). This variant is present in population databases (rs186989806, gnomAD 0.002%). This variant has not been reported in the literature in individuals affected with CLPB-related conditions. An algorithm developed to predict the effect of missense changes on protein structure and function (PolyPhen-2) suggests that this variant is likely to be tolerated. In summary, the available evidence is currently insufficient to determine the role of this variant in disease. Therefore, it has been classified as a Variant of Uncertain Significance.